The following is an entry in ClinVar:

ClinVar aggregate classification (germline): Likely benign. Review status: criteria provided, multiple submitters, no conflicts (2 of 4 stars). 2 submissions from 2 submitters: Likely benign (2). Last evaluated 2025-08-01.

Conditions:
MEGF8-related Carpenter syndrome. Also called: Carpenter syndrome 2. Identifiers: Orphanet 65759, MedGen C3554247, MONDO:0013998, OMIM 614976.

Allele frequency attached by ClinVar (database versions not stated): ExAC 0.00003; gnomAD 0.00004; gnomAD exomes 0.00005; TOPMed 0.00005; ESP Exome Variant Server 0.00008.
gnomAD v4.1: 78 of 1,613,384 alleles (0.0048%); highest among the groups gnomAD compares: Middle Eastern, 0.58%; 1 homozygote.

Submissions (2):

CeGaT Center for Human Genetics Tuebingen
Classification: Likely benign. Last evaluated: 2025-08-01. Review status: criteria provided, single submitter. Criteria: CeGaT Center For Human Genetics Tuebingen Variant Classification Criteria Version 2. Collection method: clinical testing. Allele origin: germline. Affected: yes. Observed: 3 variant alleles.
Comment: MEGF8: BP4, BP7

Labcorp Genetics (formerly Invitae), Labcorp
Classification: Likely benign for MEGF8-related Carpenter syndrome. Last evaluated: 2025-03-22. Review status: criteria provided, single submitter. Criteria: Invitae Variant Classification Sherloc (09022015). Collection method: clinical testing. Allele origin: germline.

NM_001271938.2(MEGF8):c.2535G>A (p.Ser845=)

Gene: MEGF8 (multiple EGF like domains 8; plus strand). Cytogenetic location: 19q13.2.
Variant type: single nucleotide variant.
Coding change: c.2535G>A on transcript NM_001271938.2 (MANE Select); coding-DNA position 2535, G replaced by A.
Protein change: p.Ser845=; no amino-acid change (serine 845 retained).
Molecular consequence: synonymous variant.
Genome position (GRCh38, 1-based): chr19:42,350,183, G>A. VCF-style: chr19-42350183-G-A. GRCh37 (hg19) VCF-style: chr19-42854335-G-A.
Other names: c.2334G>A, p.Ser778= (NM_001410.3).
Identifiers: ClinVar variation 2650028 (VCV002650028.25), dbSNP rs369367512, ClinGen allele CA9474752.